The following is an entry in ClinVar:

ClinVar aggregate classification (germline): Uncertain significance. Review status: criteria provided, multiple submitters, no conflicts (2 of 4 stars). 2 submissions from 2 submitters: Uncertain significance (2). Last evaluated 2025-09-10.

Conditions:
Inborn genetic diseases. Identifiers: MedGen C0950123, MeSH D030342.

Allele frequency attached by ClinVar (database versions not stated): ExAC 0.00002; TOPMed 0.00002; gnomAD 0.00004.

Submissions (2):

Ambry Genetics
Classification: Uncertain significance for Inborn genetic diseases. Last evaluated: 2025-09-10. Review status: criteria provided, single submitter. Criteria: Ambry Variant Classification Scheme 2023. Collection method: clinical testing. Allele origin: germline.

CeGaT Center for Human Genetics Tuebingen
Classification: Uncertain significance. Last evaluated: 2024-05-01. Review status: criteria provided, single submitter. Criteria: CeGaT Center For Human Genetics Tuebingen Variant Classification Criteria Version 2. Collection method: clinical testing. Allele origin: germline. Affected: yes. Observed: 1 variant allele.
Comment: NKX6-2: PM2, PP3

NM_177400.3(NKX6-2):c.139G>C (p.Gly47Arg)

Gene: NKX6-2 (NK6 homeobox 2; minus strand). Cytogenetic location: 10q26.3.
Variant type: single nucleotide variant.
Coding change: c.139G>C on transcript NM_177400.3 (MANE Select); coding-DNA position 139, G replaced by C.
Protein change: p.Gly47Arg; replaces glycine 47 with arginine.
Molecular consequence: missense variant.
Genome position (GRCh38, 1-based): chr10:132,785,810, C>G on the plus strand (G>C on the coding strand, the complement: NKX6-2 is on the minus strand). VCF-style: chr10-132785810-C-G. GRCh37 (hg19) VCF-style: chr10-134599314-C-G.
Other names: c.139G>C (NM_177400.2); short protein forms G47R.
Identifiers: ClinVar variation 3239328 (VCV003239328.20), dbSNP rs748053858.
Genomic context (GRCh38, chr10:132,785,810, plus strand): 5'-GCCGGCCCAGGATGTCGCTGATGCCGTGCGGGGTCCCGAGCGGGAGCTGCGCGCCCAGGC[C>G]CCCCAGCGCGGGCGCCTTGAAGCCGGCCGGACCCTGCAGCGCGTAGGGGAACAGCGACGT-3'
Protein context (NP_796374.2, residues 37-57): PAGFKAPALG[Gly47Arg]LGAQLPLGTP